The following is an entry in ClinVar:

NM_006506.5(RASA2):c.450+4A>G

Gene: RASA2 (RAS p21 protein activator 2; plus strand). Cytogenetic location: 3q23.
Variant type: single nucleotide variant.
Coding change: c.450+4A>G on transcript NM_006506.5 (MANE Select); 4 bases into the intron after coding-DNA position 450, A replaced by G.
Molecular consequence: intron variant.
Genome position (GRCh38, 1-based): chr3:141,529,806, A>G. VCF-style: chr3-141529806-A-G. GRCh37 (hg19) VCF-style: chr3-141248648-A-G.
Other names: c.450+4A>G (NM_001303245.3, NM_001303246.3).
Identifiers: ClinVar variation 4702957 (VCV004702957.1).
Genomic context (GRCh38, chr3:141,529,806, plus strand): 5'-AGTGGCAAAGAAACTTGGTTTTCATTACAGCCTGTTGACTCCAATTCAGAGGTTCAGGTA[A>G]ATATTAAGGCTTATGTAATACAAGAGATTGTCACAGGAAATGAGTAAAAAATGAACTAAT-3'

ClinVar aggregate classification (germline): Uncertain significance (1 of 4 stars; one submission).

gnomAD v4.1: 1 of 1,584,060 alleles (0.000063%); highest among the groups gnomAD compares: Admixed American, 0.0017%; no homozygotes.

Submission:

Labcorp Genetics (formerly Invitae), Labcorp
Classification: Uncertain significance. Last evaluated: 2025-06-01. Review status: criteria provided, single submitter. Criteria: Invitae Variant Classification Sherloc (09022015). Collection method: clinical testing. Allele origin: germline.
Comment: This sequence change falls in intron 4 of the RASA2 gene. It does not directly change the encoded amino acid sequence of the RASA2 protein. It affects a nucleotide within the consensus splice site. This variant is not present in population databases (gnomAD no frequency). This variant has not been reported in the literature in individuals affected with RASA2-related conditions. Variants that disrupt the consensus splice site are a relatively common cause of aberrant splicing (PMID: 17576681, 9536098). Algorithms developed to predict the effect of sequence changes on RNA splicing suggest that this variant is not likely to affect RNA splicing. In summary, the available evidence is currently insufficient to determine the role of this variant in disease. Therefore, it has been classified as a Variant of Uncertain Significance.

Literature cited by the submitters: PubMed 17576681; PubMed 9536098.